The following is an entry in ClinVar:

ClinVar aggregate classification (germline): Uncertain significance (1 of 4 stars; one submission).

Submission:

Labcorp Genetics (formerly Invitae), Labcorp
Classification: Uncertain significance. Last evaluated: 2022-10-05. Review status: criteria provided, single submitter. Criteria: Invitae Variant Classification Sherloc (09022015). Collection method: clinical testing. Allele origin: germline.
Comment: This variant is not present in population databases (gnomAD no frequency). This variant has not been reported in the literature in individuals affected with C2CD3-related conditions. Experimental studies and prediction algorithms are not available or were not evaluated, and the functional significance of this variant is currently unknown. In summary, the available evidence is currently insufficient to determine the role of this variant in disease. Therefore, it has been classified as a Variant of Uncertain Significance. This sequence change replaces proline, which is neutral and non-polar, with leucine, which is neutral and non-polar, at codon 2043 of the C2CD3 protein (p.Pro2043Leu). The C2CD3 gene has multiple clinically relevant transcripts. This variant occurs in alternate transcript NM_001286577.1, and corresponds to NM_015531.5:c.*566C>T in the primary transcript.

NM_001286577.2(C2CD3):c.6128C>T (p.Pro2043Leu)

Gene: C2CD3 (C2 domain containing 3 centriole elongation regulator; minus strand). Cytogenetic location: 11q13.4.
Variant type: single nucleotide variant.
Coding change: c.6128C>T on transcript NM_001286577.2 (MANE Select); coding-DNA position 6128, C replaced by T.
Protein change: p.Pro2043Leu; replaces proline 2043 with leucine.
Molecular consequence: missense variant.
Genome position (GRCh38, 1-based): chr11:74,034,032, G>A on the plus strand (C>T on the coding strand, the complement: C2CD3 is on the minus strand). VCF-style: chr11-74034032-G-A. GRCh37 (hg19) VCF-style: chr11-73745077-G-A.
Other names: short protein forms P2043L.
Identifiers: ClinVar variation 2022209 (VCV002022209.4), dbSNP rs1346783084, ClinGen allele CA381821659.